The following is an entry in ClinVar:

ClinVar aggregate classification (germline): Uncertain significance. Review status: criteria provided, multiple submitters, no conflicts (2 of 4 stars). 3 submissions from 3 submitters: Uncertain significance (3). Last evaluated 2023-01-01.

Conditions:
Hajdu-Cheney syndrome (HJCYS). Also called: SERPENTINE FIBULA-POLYCYSTIC KIDNEY SYNDROME; ACROOSTEOLYSIS WITH OSTEOPOROSIS AND CHANGES IN SKULL AND MANDIBLE; Acroosteolysis dominant type. Identifiers: Orphanet 955, MedGen C0917715, MONDO:0007057, OMIM 102500.
Alagille syndrome due to a NOTCH2 point mutation. Also called: Alagille syndrome 2. Identifiers: Orphanet 261629, Orphanet 52, MedGen C1857761, MONDO:0012439, OMIM 610205.

Allele frequency attached by ClinVar (database versions not stated): TOPMed 0.00001; gnomAD exomes 0.00002.
gnomAD v4.1: 30 of 1,613,992 alleles (0.0019%); highest among the groups gnomAD compares: Middle Eastern, 0.017%; no homozygotes.

Submissions (3):

CeGaT Center for Human Genetics Tuebingen
Classification: Uncertain significance. Last evaluated: 2023-01-01. Review status: criteria provided, single submitter. Criteria: CeGaT Center For Human Genetics Tuebingen Variant Classification Criteria Version 2. Collection method: clinical testing. Allele origin: germline. Affected: yes. Observed: 1 variant allele.
Comment: NOTCH2: PM2, PP2, BP4

Fulgent Genetics
Classification: Uncertain significance for Hajdu-Cheney syndrome; Alagille syndrome due to a NOTCH2 point mutation. Last evaluated: 2021-12-25. Review status: criteria provided, single submitter. Criteria: ACMG Guidelines, 2015. Collection method: clinical testing. Allele origin: unknown.

Baylor Genetics
Classification: Uncertain significance for Hajdu-Cheney syndrome. Last evaluated: 2018-11-27. Review status: criteria provided, single submitter. Criteria: ACMG Guidelines, 2015. Collection method: clinical testing. Allele origin: paternal. Affected: yes.
Comment: This variant was determined to be of uncertain significance according to ACMG Guidelines, 2015 [PMID:25741868].

NM_024408.4(NOTCH2):c.719G>C (p.Gly240Ala)

Gene: NOTCH2 (notch receptor 2; minus strand). Cytogenetic location: 1p12.
Variant type: single nucleotide variant.
Coding change: c.719G>C on transcript NM_024408.4 (MANE Select); coding-DNA position 719, G replaced by C.
Protein change: p.Gly240Ala; replaces glycine 240 with alanine.
Molecular consequence: missense variant.
Genome position (GRCh38, 1-based): chr1:119,997,029, C>G on the plus strand (G>C on the coding strand, the complement: NOTCH2 is on the minus strand). VCF-style: chr1-119997029-C-G. GRCh37 (hg19) VCF-style: chr1-120539652-C-G.
Other names: c.719G>C, p.Gly240Ala (NM_001200001.2); short protein forms G240A.
Identifiers: ClinVar variation 1034043 (VCV001034043.26), dbSNP rs1464974590, ClinGen allele CA341848155.